The following is an entry in ClinVar:

ClinVar aggregate classification (germline): Uncertain significance (1 of 4 stars; one submission).

Submission:

Labcorp Genetics (formerly Invitae), Labcorp
Classification: Uncertain significance. Last evaluated: 2022-01-27. Review status: criteria provided, single submitter. Criteria: Invitae Variant Classification Sherloc (09022015). Collection method: clinical testing. Allele origin: germline.
Comment: In summary, the available evidence is currently insufficient to determine the role of this variant in disease. Therefore, it has been classified as a Variant of Uncertain Significance. Advanced modeling of protein sequence and biophysical properties (such as structural, functional, and spatial information, amino acid conservation, physicochemical variation, residue mobility, and thermodynamic stability) performed at Invitae indicates that this missense variant is not expected to disrupt DUOX2 protein function. This variant has not been reported in the literature in individuals affected with DUOX2-related conditions. This variant is not present in population databases (gnomAD no frequency). This sequence change replaces alanine, which is neutral and non-polar, with glycine, which is neutral and non-polar, at codon 1539 of the DUOX2 protein (p.Ala1539Gly).

NM_001363711.2(DUOX2):c.4616C>G (p.Ala1539Gly)

Gene: DUOX2 (dual oxidase 2; minus strand). Cytogenetic location: 15q21.1.
Variant type: single nucleotide variant.
Coding change: c.4616C>G on transcript NM_001363711.2 (MANE Select); coding-DNA position 4616, C replaced by G.
Protein change: p.Ala1539Gly; replaces alanine 1539 with glycine.
Molecular consequence: missense variant.
Genome position (GRCh38, 1-based): chr15:45,094,181, G>C on the plus strand (C>G on the coding strand, the complement: DUOX2 is on the minus strand). VCF-style: chr15-45094181-G-C. GRCh37 (hg19) VCF-style: chr15-45386379-G-C.
Other names: c.4616C>G, p.Ala1539Gly (NM_014080.5); short protein forms A1539G.
Identifiers: ClinVar variation 2090528 (VCV002090528.4), dbSNP rs1893834635, ClinGen allele CA392248989.